The following is an entry in ClinVar:

ClinVar aggregate classification (germline): Uncertain significance. Review status: criteria provided, multiple submitters, no conflicts (2 of 4 stars). 2 submissions from 2 submitters: Uncertain significance (2). Last evaluated 2025-05-26.

Conditions:
Inborn genetic diseases. Identifiers: MedGen C0950123, MeSH D030342.

Allele frequency attached by ClinVar (database versions not stated): gnomAD exomes below 0.00001; TOPMed below 0.00001; gnomAD 0.00001.
gnomAD v4.1: 2 of 1,612,694 alleles (0.00012%); highest among the groups gnomAD compares: Non-Finnish European, 0.00017%; no homozygotes.

Submissions (2):

Labcorp Genetics (formerly Invitae), Labcorp
Classification: Uncertain significance. Last evaluated: 2025-05-26. Review status: criteria provided, single submitter. Criteria: Invitae Variant Classification Sherloc (09022015). Collection method: clinical testing. Allele origin: germline.
Comment: This sequence change replaces arginine, which is basic and polar, with glycine, which is neutral and non-polar, at codon 765 of the COL11A2 protein (p.Arg765Gly). This variant is not present in population databases (gnomAD no frequency). This variant has not been reported in the literature in individuals affected with COL11A2-related conditions. ClinVar contains an entry for this variant (Variation ID: 2048592). Invitae Evidence Modeling of protein sequence and biophysical properties (such as structural, functional, and spatial information, amino acid conservation, physicochemical variation, residue mobility, and thermodynamic stability) indicates that this missense variant is not expected to disrupt COL11A2 protein function with a negative predictive value of 95%. In summary, the available evidence is currently insufficient to determine the role of this variant in disease. Therefore, it has been classified as a Variant of Uncertain Significance.

Ambry Genetics
Classification: Uncertain significance for Inborn genetic diseases. Last evaluated: 2024-04-22. Review status: criteria provided, single submitter. Criteria: Ambry Variant Classification Scheme 2023. Collection method: clinical testing. Allele origin: germline.

NM_080680.3(COL11A2):c.2293A>G (p.Arg765Gly)

Gene: COL11A2 (collagen type XI alpha 2 chain; minus strand). Cytogenetic location: 6p21.32.
Variant type: single nucleotide variant.
Coding change: c.2293A>G on transcript NM_080680.3 (MANE Select); coding-DNA position 2293, A replaced by G.
Protein change: p.Arg765Gly; replaces arginine 765 with glycine.
Molecular consequence: missense variant.
Genome position (GRCh38, 1-based): chr6:33,175,657, T>C on the plus strand (A>G on the coding strand, the complement: COL11A2 is on the minus strand). VCF-style: chr6-33175657-T-C. GRCh37 (hg19) VCF-style: chr6-33143434-T-C.
Other names: c.1972A>G, p.Arg658Gly (NM_080679.3); c.2035A>G, p.Arg679Gly (NM_080681.3); c.2293A>G (NM_080680.2); short protein forms R658G, R679G, R765G.
Identifiers: ClinVar variation 2048592 (VCV002048592.5), dbSNP rs1353609335, ClinGen allele CA363647434.
Genomic context (GRCh38, chr6:33,175,657, plus strand): 5'-GCCCAGGGTCTCCAGTCGGTCCAGTGCGTCCCTTTGGCCCCTCAGGACCATCCTCTCCCC[T>C]GGAACCAGGGACTCCAACTTCGCCCTGTGTGAGAGGGAAGGACAGGTGAGTGCTGGGGAC-3'
Protein context (NP_542411.2, residues 755-775): DRGEVGVPGS[Arg765Gly]GEDGPEGPKG